The following is an entry in ClinVar:

ClinVar aggregate classification (germline): Uncertain significance (1 of 4 stars; one submission).

Conditions:
Hereditary nonpolyposis colorectal neoplasms. Identifiers: MedGen C0009405, MeSH D003123.

Submission:

Labcorp Genetics (formerly Invitae), Labcorp
Classification: Uncertain significance for Hereditary nonpolyposis colorectal neoplasms. Last evaluated: 2021-02-24. Review status: criteria provided, single submitter. Criteria: Invitae Variant Classification Sherloc (09022015). Collection method: clinical testing. Allele origin: germline.
Comment: This variant is a gross duplication of the genomic region encompassing exons 1-6 of the MSH6 gene. The 5' end of this event is unknown as it extends beyond the assayed region for this gene and therefore may encompass additional genes. The 3' boundary is likely confined to intron 6 of the MSH6 gene. This variant has not been reported in the literature in individuals with a MSH6-related disease. Experimental studies and prediction algorithms are not available for this variant, and the functional significance of the duplicated amino acids is currently unknown. In summary, the available evidence is currently insufficient to determine the role of this variant in disease. Therefore, it has been classified as a Variant of Uncertain Significance.

NC_000002.12:g.(?_47783234)_(47805037_?)dup

Gene: MSH6 (mutS homolog 6; plus strand). Cytogenetic location: 2p16.3.
Variant type: Duplication.
Identifiers: ClinVar variation 831534 (VCV000831534.2).